The following is an entry in ClinVar:

NM_004360.5(CDH1):c.172G>A (p.Glu58Lys)

Gene: CDH1 (cadherin 1; plus strand). Cytogenetic location: 16q22.1.
Variant type: single nucleotide variant.
Coding change: c.172G>A on transcript NM_004360.5 (MANE Select); coding-DNA position 172, G replaced by A.
Protein change: p.Glu58Lys; replaces glutamic acid 58 with lysine.
Molecular consequence: missense variant. On other transcripts: 5 prime UTR variant (2).
Genome position (GRCh38, 1-based): chr16:68,801,678, G>A. VCF-style: chr16-68801678-G-A. GRCh37 (hg19) VCF-style: chr16-68835581-G-A.
Other names: c.172G>A (LRG_301t1); c.172G>A, p.Glu58Lys (NM_001317184.2); c.-1444G>A (NM_001317185.2); c.-1648G>A (NM_001317186.2); short protein forms E58K.
Identifiers: ClinVar variation 406647 (VCV000406647.17), dbSNP rs1060501234, ClinGen allele CA16615359.

ClinVar aggregate classification (germline): Conflicting classifications of pathogenicity. Review status: criteria provided, conflicting classifications (1 of 4 stars). 5 submissions from 5 submitters: Uncertain significance (3); Likely benign (2). Last evaluated 2025-04-10.

Conditions:
Hereditary cancer-predisposing syndrome. Also called: Tumor predisposition; Neoplastic Syndromes, Hereditary; Hereditary Cancer Syndrome; Hereditary neoplastic syndrome. Identifiers: Orphanet 140162, MedGen C0027672, MeSH D009386, MONDO:0015356.
Hereditary diffuse gastric adenocarcinoma (HDGC). Also called: DIFFUSE GASTRIC AND LOBULAR BREAST CANCER SYNDROME. Identifiers: Orphanet 26106, MedGen C1708349, MONDO:0007648, OMIM 137215.
Familial cancer of breast. Also called: BREAST CANCER, FAMILIAL; hereditary breast carcinoma; Hereditary breast cancer. Identifiers: Orphanet 227535, MedGen C0346153, MONDO:0016419, OMIM 114480. Disease mechanism: loss of function.

Allele frequency attached by ClinVar (database versions not stated): gnomAD 0.00001; TOPMed 0.00002.
gnomAD v4.1: 2 of 1,613,584 alleles (0.00012%); highest among the groups gnomAD compares: Admixed American, 0.0033%; no homozygotes.

Submissions (5):

GeneDx
Classification: Uncertain significance. Last evaluated: 2025-04-10. Review status: criteria provided, single submitter. Criteria: GeneDx Variant Classification Process June 2021. Collection method: clinical testing. Allele origin: germline. Affected: yes.
Comment: Not observed at significant frequency in large population cohorts (gnomAD); In silico analysis indicates that this missense variant does not alter protein structure/function; Has not been previously published as pathogenic or benign to our knowledge; This variant is associated with the following publications: (PMID: 15235021)

Myriad Genetics, Inc.
Classification: Likely benign for Hereditary diffuse gastric adenocarcinoma. Last evaluated: 2024-09-12. Review status: criteria provided, single submitter. Criteria: Myriad Autosomal Dominant, Autosomal Recessive and X-Linked Classification Criteria (2023). Collection method: clinical testing. Allele origin: unknown.
Comment: This variant is considered likely benign. Homozygosity has been confirmed in one or more individuals. As homozygosity for pathogenic variants in this gene is generally assumed to result in embryonic lethality, this variant is unlikely to be pathogenic.

Ambry Genetics
Classification: Likely benign for Hereditary cancer-predisposing syndrome. Last evaluated: 2024-03-06. Review status: criteria provided, single submitter. Criteria: Ambry Variant Classification Scheme 2023. Collection method: clinical testing. Allele origin: germline.

Labcorp Genetics (formerly Invitae), Labcorp
Classification: Uncertain significance for Hereditary diffuse gastric adenocarcinoma. Last evaluated: 2024-02-05. Review status: criteria provided, single submitter. Criteria: Invitae Variant Classification Sherloc (09022015). Collection method: clinical testing. Allele origin: germline.
Comment: This sequence change replaces glutamic acid, which is acidic and polar, with lysine, which is basic and polar, at codon 58 of the CDH1 protein (p.Glu58Lys). This variant is not present in population databases (gnomAD no frequency). This variant has not been reported in the literature in individuals affected with CDH1-related conditions. ClinVar contains an entry for this variant (Variation ID: 406647). An algorithm developed to predict the effect of missense changes on protein structure and function (PolyPhen-2) suggests that this variant is likely to be tolerated. In summary, the available evidence is currently insufficient to determine the role of this variant in disease. Therefore, it has been classified as a Variant of Uncertain Significance.

Baylor Genetics
Classification: Uncertain significance for Familial cancer of breast. Last evaluated: 2023-11-23. Review status: criteria provided, single submitter. Criteria: ACMG Guidelines, 2015. Collection method: clinical testing. Allele origin: unknown.